The following is an entry in ClinVar:

ClinVar aggregate classification (germline): Uncertain significance. Review status: criteria provided, multiple submitters, no conflicts (2 of 4 stars). 2 submissions from 2 submitters: Uncertain significance (2). Last evaluated 2024-04-15.

Conditions:
Spondyloenchondrodysplasia with immune dysregulation (SPENCDI). Also called: ROIFMAN IMMUNOSKELETAL SYNDROME; COMBINED IMMUNODEFICIENCY WITH AUTOIMMUNITY AND SPONDYLOMETAPHYSEAL DYSPLASIA; SPONDYLOENCHONDRODYSPLASIA WITH OR WITHOUT IMMUNE DYSREGULATION. Identifiers: Orphanet 1855, MedGen C1842763, MONDO:0011939, OMIM 607944.

Allele frequency attached by ClinVar (database versions not stated): ExAC 0.00003; TOPMed 0.00006; gnomAD exomes 0.00007; gnomAD 0.00008.
gnomAD v4.1: 71 of 1,613,930 alleles (0.0044%); highest among the groups gnomAD compares: Non-Finnish European, 0.0053%; no homozygotes.

Submissions (2):

Blueprint Genetics
Classification: Uncertain significance. Last evaluated: 2024-04-15. Review status: criteria provided, single submitter. Criteria: ACMG Guidelines, 2015. Collection method: clinical testing. Allele origin: germline.

Labcorp Genetics (formerly Invitae), Labcorp
Classification: Uncertain significance for Spondyloenchondrodysplasia with immune dysregulation. Last evaluated: 2022-05-08. Review status: criteria provided, single submitter. Criteria: Invitae Variant Classification Sherloc (09022015). Collection method: clinical testing. Allele origin: germline.
Comment: This sequence change replaces arginine, which is basic and polar, with histidine, which is basic and polar, at codon 97 of the ACP5 protein (p.Arg97His). This variant is present in population databases (rs777140546, gnomAD 0.01%). This variant has not been reported in the literature in individuals affected with ACP5-related conditions. ClinVar contains an entry for this variant (Variation ID: 573978). Algorithms developed to predict the effect of missense changes on protein structure and function are either unavailable or do not agree on the potential impact of this missense change (SIFT: "Not Available"; PolyPhen-2: "Benign"; Align-GVGD: "Not Available"). In summary, the available evidence is currently insufficient to determine the role of this variant in disease. Therefore, it has been classified as a Variant of Uncertain Significance.

NM_001611.5(ACP5):c.290G>A (p.Arg97His)

Gene: ACP5 (acid phosphatase 5, tartrate resistant; minus strand). Cytogenetic location: 19p13.2.
Variant type: single nucleotide variant.
Coding change: c.290G>A on transcript NM_001611.5 (MANE Select); coding-DNA position 290, G replaced by A.
Protein change: p.Arg97His; replaces arginine 97 with histidine.
Molecular consequence: missense variant.
Genome position (GRCh38, 1-based): chr19:11,576,815, C>T on the plus strand (G>A on the coding strand, the complement: ACP5 is on the minus strand). VCF-style: chr19-11576815-C-T. GRCh37 (hg19) VCF-style: chr19-11687630-C-T.
Other names: c.290G>A, p.Arg97His (LRG_1218t1, NM_001111034.3, NM_001111035.3 and 2 more transcripts); short protein forms R97H.
Identifiers: ClinVar variation 573978 (VCV000573978.9), dbSNP rs777140546, ClinGen allele CA9215456.